The following is an entry in ClinVar:

NM_001365276.2(TNXB):c.6358G>A (p.Gly2120Ser)

Gene: TNXB (tenascin XB; minus strand). Cytogenetic location: 6p21.33.
Variant type: single nucleotide variant.
Coding change: c.6358G>A on transcript NM_001365276.2 (MANE Select); coding-DNA position 6358, G replaced by A.
Protein change: p.Gly2120Ser; replaces glycine 2120 with serine.
Molecular consequence: missense variant.
Genome position (GRCh38, 1-based): chr6:32,067,847, C>T on the plus strand (G>A on the coding strand, the complement: TNXB is on the minus strand). VCF-style: chr6-32067847-C-T. GRCh37 (hg19) VCF-style: chr6-32035624-C-T.
Other names: c.6358G>A, p.Gly2120Ser (NM_019105.8); short protein forms G2120S.
Identifiers: ClinVar variation 1702340 (VCV001702340.18), dbSNP rs777574450, ClinGen allele CA3734457.

ClinVar aggregate classification (germline): Conflicting classifications of pathogenicity. Review status: criteria provided, conflicting classifications (1 of 4 stars). 6 submissions from 6 submitters: Uncertain significance (5); Likely benign (1). Last evaluated 2025-11-26.

Conditions:
Ehlers-Danlos syndrome (EDS). Identifiers: Orphanet 98249, MedGen C0013720, MONDO:0020066.
TNXB-related disorder. Also called: TNXB-related condition.
Cardiovascular phenotype. Identifiers: MedGen CN230736.

Allele frequency attached by ClinVar (database versions not stated): ExAC 0.00012; TOPMed 0.00014; gnomAD exomes 0.00015 and 0.00017; gnomAD 0.00021 and 0.00023.
gnomAD v4.1: 285 of 1,612,944 alleles (0.018%); highest among the groups gnomAD compares: Non-Finnish European, 0.022%; no homozygotes.

Submissions (6):

Women's Health and Genetics/Laboratory Corporation of America, LabCorp
Classification: Uncertain significance. Last evaluated: 2025-11-26. Review status: criteria provided, single submitter. Criteria: LabCorp Variant Classification Summary - May 2015. Collection method: clinical testing. Allele origin: germline.
Comment: Variant summary: TNXB c.6358G>A (p.Gly2120Ser) results in a non-conservative amino acid change in the encoded protein sequence. Algorithms developed to predict the effect of missense changes on protein structure and function are either unavailable or do not agree on the potential impact of this missense change. The variant allele was found at a frequency of 0.00015 in 247482 control chromosomes. This frequency is not significantly higher than estimated for disease-causing variants in TNXB, allowing no conclusion about variant significance. To our knowledge, no occurrence of c.6358G>A in individuals affected with TNXB-related conditions and no experimental evidence demonstrating its impact on protein function have been reported. ClinVar contains an entry for this variant (Variation ID: 1702340). Based on the evidence outlined above, the variant was classified as uncertain significance.

CeGaT Center for Human Genetics Tuebingen
Classification: Uncertain significance. Last evaluated: 2025-09-01. Review status: criteria provided, single submitter. Criteria: CeGaT Center For Human Genetics Tuebingen Variant Classification Criteria Version 2. Collection method: clinical testing. Allele origin: germline. Affected: yes. Observed: 1 variant allele.
Comment: TNXB: PM2

PreventionGenetics, part of Exact Sciences
Classification: Uncertain significance for TNXB-related condition. Last evaluated: 2025-08-15. Review status: criteria provided, single submitter. Criteria: ACMG Guidelines, 2015. Collection method: clinical testing. Allele origin: germline.
Comment: The TNXB c.6358G>A variant is predicted to result in the amino acid substitution p.Gly2120Ser. To our knowledge, this variant has not been reported in the literature. This variant is reported in 0.034% of alleles in individuals of European (Non-Finnish) descent in gnomAD. At this time, the clinical significance of this variant is uncertain due to the absence of conclusive functional and genetic evidence.

Ambry Genetics
Classification: Likely benign for Cardiovascular phenotype. Last evaluated: 2024-01-19. Review status: criteria provided, single submitter. Criteria: Ambry Variant Classification Scheme 2023. Collection method: clinical testing. Allele origin: germline.

GeneDx
Classification: Uncertain significance. Last evaluated: 2023-07-21. Review status: criteria provided, single submitter. Criteria: GeneDx Variant Classification Process June 2021. Collection method: clinical testing. Allele origin: germline.
Comment: Has not been previously published as pathogenic or benign to our knowledge; In silico analysis supports that this missense variant has a deleterious effect on protein structure/function

Genome Diagnostics Laboratory, The Hospital for Sick Children
Classification: Uncertain significance for Ehlers-Danlos syndrome. Last evaluated: 2020-01-09. Review status: criteria provided, single submitter. Criteria: ACMG Guidelines, 2015. Collection method: clinical testing. Allele origin: germline.